The following is an entry in ClinVar:

ClinVar aggregate classification (germline): Uncertain significance (1 of 4 stars; one submission).

Conditions:
Neuropathy, hereditary sensory and autonomic, type 2A (HSAN2A). Also called: ACROOSTEOLYSIS, GIACCAI TYPE; ACROOSTEOLYSIS, NEUROGENIC; MORVAN DISEASE; NEUROPATHY, CONGENITAL SENSORY; NEUROPATHY, HEREDITARY SENSORY RADICULAR, AUTOSOMAL RECESSIVE; NEUROPATHY, HEREDITARY SENSORY, TYPE IIA. Identifiers: Orphanet 970, MedGen C2752089, MONDO:0024309, OMIM 201300.
Pseudohypoaldosteronism type 2C (PHA2C). Also called: Pseudohypoaldosteronism Type IIC. Identifiers: Orphanet 757, Orphanet 88940, MedGen C1840391, MONDO:0013778, OMIM 614492.

Submission:

Labcorp Genetics (formerly Invitae), Labcorp
Classification: Uncertain significance for Neuropathy, hereditary sensory and autonomic, type 2A; Pseudohypoaldosteronism type 2C. Last evaluated: 2025-07-25. Review status: criteria provided, single submitter. Criteria: Invitae Variant Classification Sherloc (09022015). Collection method: clinical testing. Allele origin: germline.
Comment: This sequence change replaces valine, which is neutral and non-polar, with leucine, which is neutral and non-polar, at codon 1809 of the WNK1 protein (p.Val1809Leu). This variant is not present in population databases (gnomAD no frequency). This variant has not been reported in the literature in individuals affected with WNK1-related conditions. Invitae Evidence Modeling of protein sequence and biophysical properties (such as structural, functional, and spatial information, amino acid conservation, physicochemical variation, residue mobility, and thermodynamic stability) indicates that this missense variant is not expected to disrupt WNK1 protein function with a negative predictive value of 95%. In summary, the available evidence is currently insufficient to determine the role of this variant in disease. Therefore, it has been classified as a Variant of Uncertain Significance.

NM_018979.4(WNK1):c.4669G>C (p.Val1557Leu)

Gene: WNK1 (WNK lysine deficient protein kinase 1; plus strand). Cytogenetic location: 12p13.33.
Variant type: single nucleotide variant.
Coding change: c.4669G>C on transcript NM_018979.4 (MANE Select); coding-DNA position 4669, G replaced by C.
Protein change: p.Val1557Leu; replaces valine 1557 with leucine.
Molecular consequence: missense variant.
Genome position (GRCh38, 1-based): chr12:885,473, G>C. VCF-style: chr12-885473-G-C. GRCh37 (hg19) VCF-style: chr12-994639-G-C.
Other names: c.5449G>C, p.Val1817Leu (NM_001184985.2); c.3928G>C, p.Val1310Leu (NM_014823.3); c.5425G>C, p.Val1809Leu (NM_213655.5); short protein forms V1310L, V1817L, V1557L, V1809L.
Identifiers: ClinVar variation 4793719 (VCV004793719.1).